The following is an entry in ClinVar:

NM_002485.5(NBN):c.111T>A (p.Asn37Lys)

Gene: NBN (nibrin; minus strand). Cytogenetic location: 8q21.3.
Variant type: single nucleotide variant.
Coding change: c.111T>A on transcript NM_002485.5 (MANE Select); coding-DNA position 111, T replaced by A.
Protein change: p.Asn37Lys; replaces asparagine 37 with lysine.
Molecular consequence: missense variant. On other transcripts: 5 prime UTR variant (1).
Genome position (GRCh38, 1-based): chr8:89,982,782, A>T on the plus strand (T>A on the coding strand, the complement: NBN is on the minus strand). VCF-style: chr8-89982782-A-T. GRCh37 (hg19) VCF-style: chr8-90995010-A-T.
Other names: c.-186T>A (NM_001024688.3); short protein forms N37K.
Identifiers: ClinVar variation 1965250 (VCV001965250.5), dbSNP rs2488368993, ClinGen allele CA371663197.

ClinVar aggregate classification (germline): Uncertain significance. Review status: criteria provided, multiple submitters, no conflicts (2 of 4 stars). 3 submissions from 3 submitters: Uncertain significance (3). Last evaluated 2025-08-26.

Conditions:
Hereditary cancer-predisposing syndrome. Also called: Tumor predisposition; Hereditary neoplastic syndrome; Hereditary Cancer Syndrome; Neoplastic Syndromes, Hereditary. Identifiers: Orphanet 140162, MedGen C0027672, MeSH D009386, MONDO:0015356.
Microcephaly, normal intelligence and immunodeficiency (NBS). Also called: Immunodeficiency, microcephaly with normal intelligence; Ataxia telangiectasia variant V1; IMMUNODEFICIENCY, MICROCEPHALY, AND CHROMOSOMAL INSTABILITY; SEEMANOVA SYNDROME II; Nijmegen breakage syndrome; Microcephaly with normal intelligence immunodeficiency and lymphoreticular malignancies. Identifiers: Orphanet 647, MedGen C0398791, MONDO:0009623, OMIM 251260.

Allele frequency attached by ClinVar (database versions not stated): gnomAD exomes 0.00001.
gnomAD v4.1: 16 of 1,613,992 alleles (0.00099%); highest among the groups gnomAD compares: Non-Finnish European, 0.0014%; no homozygotes.

Submissions (3):

Ambry Genetics
Classification: Uncertain significance for Hereditary cancer-predisposing syndrome. Last evaluated: 2025-08-26. Review status: criteria provided, single submitter. Criteria: Ambry Variant Classification Scheme 2023. Collection method: clinical testing. Allele origin: germline.

Hereditary Cancer Laboratory, Hospital Universitario 12 de Octubre
Classification: Uncertain significance for Hereditary cancer-predisposing syndrome. Last evaluated: 2025-03-03. Review status: criteria provided, single submitter. Criteria: ACMG Guidelines, 2015. Collection method: clinical testing. Allele origin: germline.
Comment: PM2 + BP4

Labcorp Genetics (formerly Invitae), Labcorp
Classification: Uncertain significance for Microcephaly, normal intelligence and immunodeficiency. Last evaluated: 2022-10-24. Review status: criteria provided, single submitter. Criteria: Invitae Variant Classification Sherloc (09022015). Collection method: clinical testing. Allele origin: germline.
Comment: This sequence change replaces asparagine, which is neutral and polar, with lysine, which is basic and polar, at codon 37 of the NBN protein (p.Asn37Lys). This variant is not present in population databases (gnomAD no frequency). This variant has not been reported in the literature in individuals affected with NBN-related conditions. Algorithms developed to predict the effect of missense changes on protein structure and function output the following: SIFT: "Tolerated"; PolyPhen-2: "Benign"; Align-GVGD: "Class C0". The lysine amino acid residue is found in multiple mammalian species, which suggests that this missense change does not adversely affect protein function. RNA analysis performed to evaluate the impact of this missense change on mRNA splicing indicates it does not significantly alter splicing (Invitae). In summary, the available evidence is currently insufficient to determine the role of this variant in disease. Therefore, it has been classified as a Variant of Uncertain Significance.